The following is an entry in ClinVar:

ClinVar aggregate classification (germline): Uncertain significance (1 of 4 stars; one submission).

Submission:

Labcorp Genetics (formerly Invitae), Labcorp
Classification: Uncertain significance. Last evaluated: 2025-09-15. Review status: criteria provided, single submitter. Criteria: Invitae Variant Classification Sherloc (09022015). Collection method: clinical testing. Allele origin: germline.
Comment: This sequence change replaces threonine, which is neutral and polar, with isoleucine, which is neutral and non-polar, at codon 1109 of the COL18A1 protein (p.Thr1109Ile). This variant is not present in population databases (gnomAD no frequency). This variant has not been reported in the literature in individuals affected with COL18A1-related conditions. ClinVar contains an entry for this variant (Variation ID: 2015112). Experimental studies and prediction algorithms are not available or were not evaluated, and the functional significance of this variant is currently unknown. In summary, the available evidence is currently insufficient to determine the role of this variant in disease. Therefore, it has been classified as a Variant of Uncertain Significance.

NM_001379500.1(COL18A1):c.3335C>T (p.Thr1112Ile)

Genes: COL18A1 (collagen type XVIII alpha 1 chain; plus strand), SLC19A1 (solute carrier family 19 member 1; minus strand). Cytogenetic location: 21q22.3.
Variant type: single nucleotide variant.
Coding change: c.3335C>T on transcript NM_001379500.1 (MANE Select); coding-DNA position 3335, C replaced by T.
Protein change: p.Thr1112Ile; replaces threonine 1112 with isoleucine.
Molecular consequence: missense variant.
Genome position (GRCh38, 1-based): chr21:45,509,441, C>T. VCF-style: chr21-45509441-C-T. GRCh37 (hg19) VCF-style: chr21-46929355-C-T.
Other names: c.3866C>T, p.Thr1289Ile (NM_030582.4); c.4571C>T, p.Thr1524Ile (NM_130444.3); short protein forms T1289I, T1524I, T1112I.
Identifiers: ClinVar variation 2015112 (VCV002015112.4), dbSNP rs2517846816, ClinGen allele CA410500763.